The following is an entry in ClinVar:

ClinVar aggregate classification (germline): Uncertain significance. Review status: criteria provided, multiple submitters, no conflicts (2 of 4 stars). 4 submissions from 4 submitters: Uncertain significance (4). Last evaluated 2025-06-07.

Conditions:
Inborn genetic diseases. Identifiers: MedGen C0950123, MeSH D030342.
Muscular dystrophy-dystroglycanopathy (congenital with brain and eye anomalies), type A2. Also called: MUSCULAR DYSTROPHY-DYSTROGLYCANOPATHY (CONGENITAL WITH BRAIN AND EYE ANOMALIES), TYPE A, 2; WALKER-WARBURG SYNDROME OR MUSCLE-EYE-BRAIN DISEASE, POMT2-RELATED. Identifiers: Orphanet 588, Orphanet 899, MedGen C3150411, MONDO:0013154, OMIM 613150.
Muscular dystrophy-dystroglycanopathy (congenital with impaired intellectual development), type B, 2. Also called: Muscular dystrophy-dystroglycanopathy (congenital with intellectual disability), type B2; MUSCULAR DYSTROPHY, CONGENITAL, POMT2-RELATED. Identifiers: MedGen C3150416, MONDO:0013160, OMIM 613156.
Autosomal recessive limb-girdle muscular dystrophy type 2N. Also called: Muscular dystrophy-dystroglycanopathy (limb-girdle), type C, 2; MUSCULAR DYSTROPHY-DYSTROGLYCANOPATHY, LIMB-GIRDLE, POMT2-RELATED. Identifiers: Orphanet 206559, MedGen C3150418, MONDO:0013162, OMIM 613158.

Allele frequency attached by ClinVar (database versions not stated): ExAC 0.00002; gnomAD 0.00009 and 0.00008; TOPMed 0.00005; gnomAD exomes 0.00003; 1000 Genomes Project 30x 0.00016; 1000 Genomes Project 0.00020.

Submissions (4):

Ambry Genetics
Classification: Uncertain significance for Inborn genetic diseases. Last evaluated: 2025-06-07. Review status: criteria provided, single submitter. Criteria: Ambry Variant Classification Scheme 2023. Collection method: clinical testing. Allele origin: germline.

Labcorp Genetics (formerly Invitae), Labcorp
Classification: Uncertain significance for Muscular dystrophy-dystroglycanopathy (congenital with impaired intellectual development), type B, 2; Muscular dystrophy-dystroglycanopathy (congenital with brain and eye anomalies), type A2; Autosomal recessive limb-girdle muscular dystrophy type 2N. Last evaluated: 2022-11-01. Review status: criteria provided, single submitter. Criteria: Invitae Variant Classification Sherloc (09022015). Collection method: clinical testing. Allele origin: germline.
Comment: This sequence change replaces alanine, which is neutral and non-polar, with valine, which is neutral and non-polar, at codon 10 of the POMT2 protein (p.Ala10Val). This variant is present in population databases (rs183558313, gnomAD 0.04%). This variant has not been reported in the literature in individuals affected with POMT2-related conditions. ClinVar contains an entry for this variant (Variation ID: 471393). Algorithms developed to predict the effect of missense changes on protein structure and function (SIFT, PolyPhen-2, Align-GVGD) all suggest that this variant is likely to be tolerated. In summary, the available evidence is currently insufficient to determine the role of this variant in disease. Therefore, it has been classified as a Variant of Uncertain Significance.

GeneDx
Classification: Uncertain significance. Last evaluated: 2022-06-30. Review status: criteria provided, single submitter. Criteria: GeneDx Variant Classification Process June 2021. Collection method: clinical testing. Allele origin: germline. Affected: yes.
Comment: In silico analysis supports that this missense variant does not alter protein structure/function; Has not been previously published as pathogenic or benign to our knowledge

Revvity Omics, Revvity
Classification: Uncertain significance. Last evaluated: 2021-12-10. Review status: criteria provided, single submitter. Criteria: ACMG Guidelines, 2015. Collection method: clinical testing. Allele origin: germline.

NM_013382.7(POMT2):c.29C>T (p.Ala10Val)

Genes: POMT2 (protein O-mannosyltransferase 2; minus strand), LOC130056177 (ATAC-STARR-seq lymphoblastoid silent region 5970; plus strand). Cytogenetic location: 14q24.3.
Variant type: single nucleotide variant.
Coding change: c.29C>T on transcript NM_013382.7 (MANE Select); coding-DNA position 29, C replaced by T.
Protein change: p.Ala10Val; replaces alanine 10 with valine.
Molecular consequence: missense variant.
Genome position (GRCh38, 1-based): chr14:77,320,653, G>A on the plus strand (C>T on the coding strand, the complement: POMT2 is on the minus strand). VCF-style: chr14-77320653-G-A. GRCh37 (hg19) VCF-style: chr14-77786996-G-A.
Other names: short protein forms A10V.
Identifiers: ClinVar variation 471393 (VCV000471393.12), dbSNP rs183558313, ClinGen allele CA7286301.